The following is an entry in ClinVar:

ClinVar aggregate classification (germline): Pathogenic (1 of 4 stars; one submission).

Conditions:
Hereditary breast ovarian cancer syndrome. Also called: Hereditary breast and ovarian cancer syndrome; Hereditary breast and ovarian cancer; Hereditary breast and ovarian cancer syndrome (HBOC); Breast and ovarian cancer; Hereditary breast and/or ovarian cancer syndrome; BRCA1- and BRCA2-Associated Hereditary Breast and Ovarian Cancer. Identifiers: Orphanet 145, MedGen C0677776, MeSH D061325, MONDO:0003582. Disease mechanism: loss of function.

Submission:

Labcorp Genetics (formerly Invitae), Labcorp
Classification: Pathogenic for Hereditary breast ovarian cancer syndrome. Last evaluated: 2023-08-14. Review status: criteria provided, single submitter. Criteria: Invitae Variant Classification Sherloc (09022015). Collection method: clinical testing. Allele origin: unknown.
Comment: This variant is a gross deletion of the genomic region encompassing exon(s) 21-24 of the BRCA2 gene. This variant would be expected to be in-frame, preserving the integrity of the reading frame. This variant has not been reported in the literature in individuals affected with BRCA2-related conditions. This variant disrupts a region of the BRCA2 protein in which other variant(s) (p.Glu3002Lys) have been determined to be pathogenic (PMID: 20694749, 21947752, 22678057, 22771033, 23108138, 25884701, 27223485). This suggests that this is a clinically significant region of the protein, and that variants that disrupt it are likely to be disease-causing. For these reasons, this variant has been classified as Pathogenic.

Literature cited by the submitters: PubMed 20694749; PubMed 21947752; PubMed 22678057; PubMed 22771033; PubMed 23108138; PubMed 25884701; PubMed 27223485.

NC_000013.10:g.(?_32948881)_(32958479_?)del

Gene: BRCA2 (BRCA2 DNA repair associated; plus strand). Cytogenetic location: 13q13.1.
Variant type: Deletion.
Identifiers: ClinVar variation 3244168 (VCV003244168.1).